The following is an entry in ClinVar:

NM_138459.5(NUS1):c.671A>G (p.Asp224Gly)

Gene: NUS1 (NUS1 dehydrodolichyl diphosphate synthase subunit; plus strand). Cytogenetic location: 6q22.1.
Variant type: single nucleotide variant.
Coding change: c.671A>G on transcript NM_138459.5 (MANE Select); coding-DNA position 671, A replaced by G.
Protein change: p.Asp224Gly; replaces aspartic acid 224 with glycine.
Molecular consequence: missense variant.
Genome position (GRCh38, 1-based): chr6:117,694,160, A>G. VCF-style: chr6-117694160-A-G. GRCh37 (hg19) VCF-style: chr6-118015323-A-G.
Other names: short protein forms D224G.
Identifiers: ClinVar variation 1354755 (VCV001354755.15), dbSNP rs2114687510, ClinGen allele CA365537186.

ClinVar aggregate classification (germline): Conflicting classifications of pathogenicity. Review status: criteria provided, conflicting classifications (1 of 4 stars). 3 submissions from 3 submitters: Likely pathogenic (2); Uncertain significance (1). Last evaluated 2025-10-13.

Conditions:
Intellectual developmental disorder, autosomal dominant 55, with seizures. Also called: MENTAL RETARDATION, AUTOSOMAL DOMINANT 55, WITH SEIZURES; Intellectual disability, autosomal dominant 55, with seizures. Identifiers: MedGen C4693371, MONDO:0030921, OMIM 617831.
Congenital disorder of glycosylation, type Iaa. Also called: Congenital disorder of glycosylation, type 1aa. Identifiers: MedGen C4310727, MONDO:0014904, OMIM 617082.

Submissions (3):

Labcorp Genetics (formerly Invitae), Labcorp
Classification: Likely pathogenic for Congenital disorder of glycosylation, type Iaa. Last evaluated: 2025-10-13. Review status: criteria provided, single submitter. Criteria: Invitae Variant Classification Sherloc (09022015). Collection method: clinical testing. Allele origin: germline.
Comment: This sequence change replaces aspartic acid, which is acidic and polar, with glycine, which is neutral and non-polar, at codon 224 of the NUS1 protein (p.Asp224Gly). This variant is not present in population databases (gnomAD no frequency). This missense change has been observed in individual(s) with NUS1-related conditions (PMID: 40590478). In at least one individual the variant was observed to be de novo. ClinVar contains an entry for this variant (Variation ID: 1354755). An algorithm developed to predict the effect of missense changes on protein structure and function (PolyPhen-2) suggests that this variant is likely to be tolerated. Algorithms developed to predict the effect of sequence changes on RNA splicing suggest that this variant may disrupt the consensus splice site. In summary, the currently available evidence indicates that the variant is pathogenic, but additional data are needed to prove that conclusively. Therefore, this variant has been classified as Likely Pathogenic.

Institute of Human Genetics Munich, TUM University Hospital
Classification: Likely pathogenic for Intellectual developmental disorder, autosomal dominant 55, with seizures. Last evaluated: 2024-07-18. Review status: criteria provided, single submitter. Criteria: Classification criteria August 2017. Collection method: clinical testing. Allele origin: de novo. Inheritance: Autosomal dominant inheritance. Affected: yes. Observed: 1 variant allele.

MGZ Medical Genetics Center
Classification: Uncertain significance for Intellectual developmental disorder, autosomal dominant 55, with seizures. Last evaluated: 2021-08-11. Review status: criteria provided, single submitter. Criteria: ACMG Guidelines, 2015. Collection method: clinical testing. Allele origin: germline. Affected: yes. Observed: 1 variant allele.
Comment: ACMG criteria applied: PS2, PM2_SUP

Literature cited by the submitters: PubMed 40590478 (cited by Labcorp Genetics (formerly Invitae), Labcorp).